The following is an entry in ClinVar:

NM_004562.3(PRKN):c.1364G>A (p.Arg455His)

Gene: PRKN (parkin RBR E3 ubiquitin protein ligase; minus strand). Cytogenetic location: 6q26.
Variant type: single nucleotide variant.
Coding change: c.1364G>A on transcript NM_004562.3 (MANE Select); coding-DNA position 1364, G replaced by A.
Protein change: p.Arg455His; replaces arginine 455 with histidine.
Molecular consequence: missense variant.
Genome position (GRCh38, 1-based): chr6:161,350,133, C>T on the plus strand (G>A on the coding strand, the complement: PRKN is on the minus strand). VCF-style: chr6-161350133-C-T. GRCh37 (hg19) VCF-style: chr6-161771165-C-T.
Other names: c.1280G>A, p.Arg427His (NM_013987.3); c.917G>A, p.Arg306His (NM_013988.3); short protein forms R455H, R306H, R427H.
Identifiers: ClinVar variation 356014 (VCV000356014.13), dbSNP rs748955949, ClinGen allele CA4089931.
Genomic context (GRCh38, chr6:161,350,133, plus strand): 5'-GGCGATGGGGCGCCCGGCCGCCCTGGCTACACGTCGAACCAGTGGTCCCCCATGCAGACG[C>T]GGTTCCACTCGCAGCCACAGTTCCAGCACCACTCGAGCCTGCACTGGGGCTGCGGACACT-3'
Protein context (NP_004553.2, residues 445-465): WCWNCGCEWN[Arg455His]VCMGDHWFDV

ClinVar aggregate classification (germline): Uncertain significance. Review status: criteria provided, multiple submitters, no conflicts (2 of 4 stars). 2 submissions from 2 submitters: Uncertain significance (2). Last evaluated 2020-03-06.

Conditions:
Autosomal recessive juvenile Parkinson disease 2. Also called: PARKINSON DISEASE, JUVENILE, AUTOSOMAL RECESSIVE; Parkinson disease autosomal recessive, early onset; Juvenile parkinsonism; Parkinsonism, early onset, with diurnal fluctuation; PRKN-Related Early-Onset Parkinson Disease; Parkinson disease, juvenile, type 2. Identifiers: Orphanet 2828, MedGen C1868675, MONDO:0010820, OMIM 600116.

Allele frequency attached by ClinVar (database versions not stated): TOPMed 0.00001; gnomAD exomes 0.00002 and 0.00003; ExAC 0.00003; gnomAD 0.00003 and 0.00004.
gnomAD v4.1: 55 of 1,613,426 alleles (0.0034%); highest among the groups gnomAD compares: Non-Finnish European, 0.0041%; no homozygotes.

Submissions (2):

Labcorp Genetics (formerly Invitae), Labcorp
Classification: Uncertain significance. Last evaluated: 2020-03-06. Review status: criteria provided, single submitter. Criteria: Invitae Variant Classification Sherloc (09022015). Collection method: clinical testing. Allele origin: germline.
Comment: This sequence change replaces arginine with histidine at codon 455 of the PARK2 protein (p.Arg455His). The arginine residue is moderately conserved and there is a small physicochemical difference between arginine and histidine. This variant is present in population databases (rs748955949, ExAC 0.005%). This variant has not been reported in the literature in individuals with PARK2-related disease. ClinVar contains an entry for this variant (Variation ID: 356014). Algorithms developed to predict the effect of missense changes on protein structure and function do not agree on the potential impact of this missense change (SIFT: "Deleterious"; PolyPhen-2: "Probably Damaging"; Align-GVGD: "Class C0"). In summary, the available evidence is currently insufficient to determine the role of this variant in disease. Therefore, it has been classified as a Variant of Uncertain Significance.

Illumina Laboratory Services, Illumina
Classification: Uncertain significance for Autosomal recessive juvenile Parkinson disease 2. Last evaluated: 2018-01-12. Review status: criteria provided, single submitter. Criteria: ICSL Variant Classification Criteria 13 December 2019. Collection method: clinical testing. Allele origin: germline.